The following is an entry in ClinVar:

ClinVar aggregate classification (germline): Uncertain significance. Review status: criteria provided, multiple submitters, no conflicts (2 of 4 stars). 2 submissions from 2 submitters: Uncertain significance (2). Last evaluated 2025-07-14.

Conditions:
Fanconi anemia (FA). Also called: Fanconi's anemia. Identifiers: Orphanet 84, MedGen C0015625, MeSH D005199, MONDO:0019391.
Inborn genetic diseases. Identifiers: MedGen C0950123, MeSH D030342.

gnomAD v4.1: 4 of 1,613,984 alleles (0.00025%); highest among the groups gnomAD compares: East Asian, 0.0067%; no homozygotes.

Submissions (2):

Ambry Genetics
Classification: Uncertain significance for Inborn genetic diseases. Last evaluated: 2025-07-14. Review status: criteria provided, single submitter. Criteria: Ambry Variant Classification Scheme 2023. Collection method: clinical testing. Allele origin: germline.
Comment: The p.C1105W variant (also known as c.3315C>G), located in coding exon 33 of the FANCA gene, results from a C to G substitution at nucleotide position 3315. The cysteine at codon 1105 is replaced by tryptophan, an amino acid with highly dissimilar properties. This amino acid position is conserved. In addition, this alteration is predicted to be deleterious by in silico analysis. Based on the available evidence, the clinical significance of this variant remains unclear.

Labcorp Genetics (formerly Invitae), Labcorp
Classification: Uncertain significance for Fanconi anemia. Last evaluated: 2025-02-11. Review status: criteria provided, single submitter. Criteria: Invitae Variant Classification Sherloc (09022015). Collection method: clinical testing. Allele origin: germline.
Comment: This sequence change replaces cysteine, which is neutral and slightly polar, with tryptophan, which is neutral and slightly polar, at codon 1105 of the FANCA protein (p.Cys1105Trp). This variant is present in population databases (no rsID available, gnomAD 0.0009%). This variant has not been reported in the literature in individuals affected with FANCA-related conditions. Invitae Evidence Modeling of protein sequence and biophysical properties (such as structural, functional, and spatial information, amino acid conservation, physicochemical variation, residue mobility, and thermodynamic stability) indicates that this missense variant is expected to disrupt FANCA protein function with a positive predictive value of 95%. In summary, the available evidence is currently insufficient to determine the role of this variant in disease. Therefore, it has been classified as a Variant of Uncertain Significance.

NM_000135.4(FANCA):c.3315C>G (p.Cys1105Trp)

Gene: FANCA (FA complementation group A; minus strand). Cytogenetic location: 16q24.3.
Variant type: single nucleotide variant.
Coding change: c.3315C>G on transcript NM_000135.4 (MANE Select); coding-DNA position 3315, C replaced by G.
Protein change: p.Cys1105Trp; replaces cysteine 1105 with tryptophan.
Molecular consequence: missense variant.
Genome position (GRCh38, 1-based): chr16:89,748,692, G>C on the plus strand (C>G on the coding strand, the complement: FANCA is on the minus strand). VCF-style: chr16-89748692-G-C. GRCh37 (hg19) VCF-style: chr16-89815100-G-C.
Other names: c.3315C>G, p.Cys1105Trp (NM_001286167.3); short protein forms C1105W.
Identifiers: ClinVar variation 4254203 (VCV004254203.2).